The following is an entry in ClinVar:

ClinVar aggregate classification (germline): Uncertain significance (1 of 4 stars; one submission).

Conditions:
Cardiomyopathy (CMYO). Also called: Cardiomyopathies. Identifiers: Orphanet 167848, MedGen C0878544, MONDO:0004994, HP:0001638. Inheritance: Various modes of inheritance.

Submission:

Color Diagnostics, LLC DBA Color Health
Classification: Uncertain significance for Cardiomyopathy. Last evaluated: 2025-06-23. Review status: criteria provided, single submitter. Criteria: ACMG Guidelines, 2015. Collection method: clinical testing. Allele origin: germline.
Comment: This missense variant replaces arginine with proline at codon 4307 of the RYR2 protein. Computational prediction is inconclusive regarding the impact of this variant on protein structure and function. To our knowledge, functional studies have not been reported for this variant. This variant has not been reported in individuals affected with RYR2-related disorders in the literature. This variant has not been identified in the general population by the Genome Aggregation Database (gnomAD). The available evidence is insufficient to determine the role of this variant in disease conclusively. Therefore, this variant is classified as a Variant of Uncertain Significance.

NM_001035.3(RYR2):c.12920G>C (p.Arg4307Pro)

Genes: RYR2 (ryanodine receptor 2; plus strand), LOC126806068 (BRD4-independent group 4 enhancer GRCh37_chr1:237947411-237948610; plus strand). Cytogenetic location: 1q43.
Variant type: single nucleotide variant.
Coding change: c.12920G>C on transcript NM_001035.3 (MANE Select); coding-DNA position 12920, G replaced by C.
Protein change: p.Arg4307Pro; replaces arginine 4307 with proline.
Molecular consequence: missense variant.
Genome position (GRCh38, 1-based): chr1:237,784,632, G>C. VCF-style: chr1-237784632-G-C. GRCh37 (hg19) VCF-style: chr1-237947932-G-C.
Other names: short protein forms R4307P.
Identifiers: ClinVar variation 4758590 (VCV004758590.1).